The following is an entry in ClinVar:

NM_001371623.1(TCOF1):c.3505G>T (p.Ala1169Ser)

Gene: TCOF1 (treacle ribosome biogenesis factor 1; plus strand). Cytogenetic location: 5q32.
Variant type: single nucleotide variant.
Coding change: c.3505G>T on transcript NM_001371623.1 (MANE Select); coding-DNA position 3505, G replaced by T.
Protein change: p.Ala1169Ser; replaces alanine 1169 with serine.
Molecular consequence: missense variant.
Genome position (GRCh38, 1-based): chr5:150,392,164, G>T. VCF-style: chr5-150392164-G-T. GRCh37 (hg19) VCF-style: chr5-149771727-G-T.
Other names: c.3274G>T, p.Ala1092Ser (NM_000356.4, NM_001135245.2); c.3505G>T, p.Ala1169Ser (NM_001135243.2); c.3391G>T, p.Ala1131Ser (NM_001135244.2, NM_001195141.2); short protein forms A1169S, A1092S, A1131S.
Identifiers: ClinVar variation 2112227 (VCV002112227.4), dbSNP rs1767571846, ClinGen allele CA361737547.
Genomic context (GRCh38, chr5:150,392,164, plus strand): 5'-AGCAGCGACAGTTCTTCAGGGAGTGAGGAAGATGGTGAAGGGCCCCAGGGGGCCAAGTCA[G>T]CCCACACGCTGGGTGAGGGTGCCAGGGGAAAGGCAAGGGTGGGCCAGGAAGAGGGTGTTG-3'
Protein context (NP_001358552.1, residues 1159-1179): DGEGPQGAKS[Ala1169Ser]HTLVGPTPSR

ClinVar aggregate classification (germline): Uncertain significance (1 of 4 stars; one submission).

Conditions:
Treacher Collins syndrome 1 (TCS1). Also called: TCOF1-Related Treacher Collins Syndrome. Identifiers: Orphanet 861, MedGen CN315775, MONDO:0007944, OMIM 154500.

Allele frequency attached by ClinVar (database versions not stated): gnomAD 0.00001.
gnomAD v4.1: 1 of 1,613,822 alleles (0.000062%); highest among the groups gnomAD compares: African/African-American, 0.0013%; no homozygotes.

Submission:

Labcorp Genetics (formerly Invitae), Labcorp
Classification: Uncertain significance for Treacher Collins syndrome 1. Last evaluated: 2022-03-14. Review status: criteria provided, single submitter. Criteria: Invitae Variant Classification Sherloc (09022015). Collection method: clinical testing. Allele origin: germline.
Comment: In summary, the available evidence is currently insufficient to determine the role of this variant in disease. Therefore, it has been classified as a Variant of Uncertain Significance. Algorithms developed to predict the effect of missense changes on protein structure and function (SIFT, PolyPhen-2, Align-GVGD) all suggest that this variant is likely to be tolerated. This variant has not been reported in the literature in individuals affected with TCOF1-related conditions. This variant is not present in population databases (gnomAD no frequency). This sequence change replaces alanine, which is neutral and non-polar, with serine, which is neutral and polar, at codon 1169 of the TCOF1 protein (p.Ala1169Ser).